The following is an entry in ClinVar:

NM_000536.4(RAG2):c.130G>A (p.Gly44Arg)

Gene: RAG2 (recombination activating 2; minus strand). Cytogenetic location: 11p12.
Variant type: single nucleotide variant.
Coding change: c.130G>A on transcript NM_000536.4 (MANE Select); coding-DNA position 130, G replaced by A.
Protein change: p.Gly44Arg; replaces glycine 44 with arginine.
Molecular consequence: missense variant.
Genome position (GRCh38, 1-based): chr11:36,594,039, C>T on the plus strand (G>A on the coding strand, the complement: RAG2 is on the minus strand). VCF-style: chr11-36594039-C-T. GRCh37 (hg19) VCF-style: chr11-36615589-C-T.
Other names: c.130G>A, p.Gly44Arg (NM_001243785.2, NM_001243786.2); short protein forms G44R.
Identifiers: ClinVar variation 4071516 (VCV004071516.1).

ClinVar aggregate classification (germline): Uncertain significance (1 of 4 stars; one submission).

Conditions:
Severe combined immunodeficiency, autosomal recessive, T cell-negative, B cell-negative, NK cell-positive. Also called: SCID, AR, T-cell negative, B-cell negative, NK cell-positive; Severe combined immunodeficiency due to complete RAG1/2 deficiency; SCID, T CELL-NEGATIVE, B CELL-NEGATIVE, NK CELL-POSITIVE. Identifiers: Orphanet 331206, MedGen C1832322, MONDO:0011086, OMIM 601457.

Submission:

Next Generation Genetic Polyclinic
Classification: Uncertain significance for Severe combined immunodeficiency, autosomal recessive, T cell-negative, B cell-negative, NK cell-positive. Last evaluated: 2025-03-20. Review status: criteria provided, single submitter. Criteria: ACMG Guidelines, 2015. Collection method: clinical testing. Allele origin: germline. Affected: yes. Observed: 1 variant allele.
Comment: Novel missense variant in RAG2 (c.130G>A; p.Gly44Arg), affecting a conserved residue within the N-terminal DNA-binding domain. Multiple in silico tools predict a damaging effect (e.g., SIFT, REVEL). The variant is absent from gnomAD and other population databases (PM2). No prior reports in ClinVar or literature. Classified as Variant of Uncertain Significance (VUS). Meets ACMG criteria: PM2, PP3. Sanger sequencing confirmed variant presence.